The following is an entry in ClinVar:

NM_000501.4(ELN):c.1104_1105del (p.Ser369fs)

Gene: ELN (elastin; plus strand). Cytogenetic location: 7q11.23.
Variant type: Microsatellite.
Coding change: c.1104_1105del on transcript NM_000501.4 (MANE Select); coding-DNA positions 1104 to 1105, 2 bases deleted (GT; older notation c.1104_1105delGT).
Protein change: p.Ser369fs; shifts the reading frame from serine 369.
Molecular consequence: frameshift variant.
Genome position (GRCh38, 1-based): chr7:74,054,723-74,054,724, GT deleted; deleting any 2 consecutive bases within chr7:74,054,720-74,054,724 gives the same sequence; the c. name uses the placement nearest the transcript's 3' end. VCF-style (leftmost placement, unchanged base first): chr7-74054719-TTG-T. GRCh37 (hg19) VCF-style: chr7-73469049-TTG-T.
Other names: c.1104_1105del, p.Ser369fs (NM_001278912.2, NM_001278915.2, NM_001278939.2 and 1 more transcripts); c.996_997del, p.Ser333fs (NM_001278913.2); c.1089_1090del, p.Ser364fs (NM_001278914.2); c.1062_1063del, p.Ser355fs (NM_001278916.2); c.1074_1075del, p.Ser359fs (NM_001278917.2, NM_001081752.3); c.972_973del, p.Ser325fs (NM_001278918.2); c.1119_1120del, p.Ser374fs (NM_001081753.3, NM_001081754.3); c.1104_1105delGT (NM_001278939.1); short protein forms S333fs, S359fs, S369fs, S325fs, S355fs, S364fs, S374fs.
Identifiers: ClinVar variation 930778 (VCV000930778.4), dbSNP rs1794880739, ClinGen allele CA1717345871.
Genomic context (GRCh38, chr7:74,054,719, plus strand): 5'-CTACACAGCTCTCCTCCAATCTCTCCTGAGCATTTGTGTCCCTTTTGGTCTCTCCAGGGG[TTG>T]TGTCACCAGAAGCAGCTGCTAAGGCAGCTGCAAAGGCAGCCAAATACGGTGAGTGCTATG-3'

ClinVar aggregate classification (germline): Pathogenic/Likely pathogenic. Review status: criteria provided, multiple submitters, no conflicts (2 of 4 stars). 2 submissions from 2 submitters: Pathogenic (1); Likely pathogenic (1). Last evaluated 2024-02-23.

Conditions:
ELN-related disorder.
Williams syndrome (WBS). Also called: WILLIAMS-BEUREN SYNDROME; CHROMOSOME 7q11.23 DELETION SYNDROME, 1.5- TO 1.8-MB. Identifiers: Orphanet 904, MedGen C0175702, MONDO:0008678, OMIM 194050. Disease mechanism: loss of function.

Submissions (2):

Blueprint Genetics
Classification: Likely pathogenic for ELN-related disorders. Last evaluated: 2024-02-23. Review status: criteria provided, single submitter. Criteria: ACMG Guidelines, 2015. Collection method: clinical testing. Allele origin: germline. Affected: yes. Observed: 1 variant allele.

Centre for Mendelian Genomics, University Medical Centre Ljubljana
Classification: Pathogenic for Williams syndrome. Last evaluated: 2019-09-12. Review status: criteria provided, single submitter. Criteria: ACMG Guidelines, 2015. Collection method: clinical testing. Allele origin: unknown. Affected: yes.
Comment: This variant was classified as: Pathogenic. The following ACMG criteria were applied in classifying this variant: PVS1,PS1,PM2,PP4.